The following is an entry in ClinVar:

ClinVar aggregate classification (germline): Uncertain significance (1 of 4 stars; one submission).

Conditions:
Hereditary breast ovarian cancer syndrome. Also called: Hereditary breast and/or ovarian cancer syndrome; Hereditary breast and ovarian cancer syndrome; Hereditary breast and ovarian cancer syndrome (HBOC); Breast and ovarian cancer; BRCA1- and BRCA2-Associated Hereditary Breast and Ovarian Cancer; Hereditary breast and ovarian cancer. Identifiers: Orphanet 145, MedGen C0677776, MeSH D061325, MONDO:0003582. Disease mechanism: loss of function.

Submission:

Labcorp Genetics (formerly Invitae), Labcorp
Classification: Uncertain significance for Hereditary breast ovarian cancer syndrome. Last evaluated: 2020-03-16. Review status: criteria provided, single submitter. Criteria: Invitae Variant Classification Sherloc (09022015). Collection method: clinical testing. Allele origin: germline.
Comment: In summary, the available evidence is currently insufficient to determine the role of this variant in disease. Therefore, it has been classified as a Variant of Uncertain Significance. Algorithms developed to predict the effect of missense changes on protein structure and function are either unavailable or do not agree on the potential impact of this missense change (SIFT: "Tolerated"; PolyPhen-2: "Possibly Damaging"; Align-GVGD: "Class C0"). This variant has not been reported in the literature in individuals with BRCA2-related conditions. This variant is not present in population databases (ExAC no frequency). This sequence change replaces glutamic acid with aspartic acid at codon 2391 of the BRCA2 protein (p.Glu2391Asp). The glutamic acid residue is moderately conserved and there is a small physicochemical difference between glutamic acid and aspartic acid.

NM_000059.4(BRCA2):c.7173A>C (p.Glu2391Asp)

Gene: BRCA2 (BRCA2 DNA repair associated; plus strand). Cytogenetic location: 13q13.1.
Variant type: single nucleotide variant.
Coding change: c.7173A>C on transcript NM_000059.4 (MANE Select); coding-DNA position 7173, A replaced by C.
Protein change: p.Glu2391Asp; replaces glutamic acid 2391 with aspartic acid.
Molecular consequence: missense variant.
Genome position (GRCh38, 1-based): chr13:32,355,026, A>C. VCF-style: chr13-32355026-A-C. GRCh37 (hg19) VCF-style: chr13-32929163-A-C.
Other names: short protein forms E2391D.
Identifiers: ClinVar variation 1003281 (VCV001003281.9), dbSNP rs2072679057, ClinGen allele CA387739522.